The following is an entry in ClinVar:

ClinVar aggregate classification (germline): Uncertain significance (0 of 4 stars; one submission).

Submission:

Department of Pathology and Laboratory Medicine, Sinai Health System
Classification: Uncertain significance. Review status: no assertion criteria provided. Collection method: clinical testing. Allele origin: unknown. Affected: yes. Study: The Canadian Open Genetics Repository (COGR).
Comment: The SLC12A6 p.Phe308Ser variant was not identified in the literature nor was it identified in dbSNP, ClinVar or in the following control databases: the 1000 Genomes Project, the NHLBI GO Exome Sequencing Project, or the Genome Aggregation Database (March 6, 2019, v2.1.1). The p.Phe308 residue is conserved in mammals and computational analyses (PolyPhen-2, SIFT, AlignGVGD, BLOSUM, MutationTaster) provide inconsistent predictions regarding the impact to the protein; this information is not very predictive of pathogenicity. The variant occurs outside of the splicing consensus sequence and in silico or computational prediction software programs (SpliceSiteFinder, MaxEntScan, NNSPLICE, GeneSplicer) do not predict a difference in splicing. In summary, based on the above information the clinical significance of this variant cannot be determined with certainty at this time. This variant is classified as a variant of uncertain significance.

NM_001365088.1(SLC12A6):c.1100T>C (p.Phe367Ser)

Gene: SLC12A6 (solute carrier family 12 member 6; minus strand). Cytogenetic location: 15q14.
Variant type: single nucleotide variant.
Coding change: c.1100T>C on transcript NM_001365088.1 (MANE Select); coding-DNA position 1100, T replaced by C.
Protein change: p.Phe367Ser; replaces phenylalanine 367 with serine.
Molecular consequence: missense variant.
Genome position (GRCh38, 1-based): chr15:34,254,366, A>G on the plus strand (T>C on the coding strand, the complement: SLC12A6 is on the minus strand). VCF-style: chr15-34254366-A-G. GRCh37 (hg19) VCF-style: chr15-34546567-A-G.
Other names: c.923T>C, p.Phe308Ser (NM_001042494.2, NM_001042495.2); c.1073T>C, p.Phe358Ser (NM_001042496.2); c.1055T>C, p.Phe352Ser (NM_001042497.2); c.947T>C, p.Phe316Ser (NM_005135.2); c.1100T>C, p.Phe367Ser (NM_133647.2); short protein forms F308S, F316S, F352S, F358S, F367S.
Identifiers: ClinVar variation 1049397 (VCV001049397.1), dbSNP rs2140717533, ClinGen allele CA391608501.
Genomic context (GRCh38, chr15:34,254,366, plus strand): 5'-ACTACCCAATAAGGATGGCTAGGCAGAGAGACAGACACGTACGGGAAGTGTGGAGGAGCA[A>G]AAGAAGACTTGATGGCTCCAGCATAGATGGCCAAGATGGACACAATGACACAGGCCAGGA-3'
Protein context (NP_001352017.1, residues 357-377): AIYAGAIKSS[Phe367Ser]APPHFPVCML